The following is an entry in ClinVar:

NM_003476.5(CSRP3):c.287C>T (p.Pro96Leu)

Gene: CSRP3 (cysteine and glycine rich protein 3; minus strand). Cytogenetic location: 11p15.1.
Variant type: single nucleotide variant.
Coding change: c.287C>T on transcript NM_003476.5 (MANE Select); coding-DNA position 287, C replaced by T.
Protein change: p.Pro96Leu; replaces proline 96 with leucine.
Molecular consequence: missense variant. On other transcripts: nonsense (1).
Genome position (GRCh38, 1-based): chr11:19,186,343, G>A on the plus strand (C>T on the coding strand, the complement: CSRP3 is on the minus strand). VCF-style: chr11-19186343-G-A. GRCh37 (hg19) VCF-style: chr11-19207890-G-A.
Other names: c.118C>T, p.Gln40Ter (NM_001369404.1); short protein forms Q40*, P96L.
Identifiers: ClinVar variation 1029706 (VCV001029706.6), dbSNP rs766783066, ClinGen allele CA5916580.

ClinVar aggregate classification (germline): Uncertain significance. Review status: criteria provided, multiple submitters, no conflicts (2 of 4 stars). 3 submissions from 3 submitters: Uncertain significance (3). Last evaluated 2025-08-11.

Conditions:
Dilated cardiomyopathy 1M (CMD1M). Identifiers: Orphanet 154, MedGen C1843808, MONDO:0011840, OMIM 607482.
Hypertrophic cardiomyopathy 12. Identifiers: MedGen C2677491, MONDO:0012804, OMIM 612124.
Cardiovascular phenotype. Identifiers: MedGen CN230736.

Allele frequency attached by ClinVar (database versions not stated): gnomAD exomes below 0.00001; TOPMed 0.00002; ExAC 0.00001; gnomAD 0.00003.
gnomAD v4.1: 5 of 1,614,020 alleles (0.00031%); highest among the groups gnomAD compares: African/African-American, 0.0067%; no homozygotes.

Submissions (3):

Labcorp Genetics (formerly Invitae), Labcorp
Classification: Uncertain significance for Hypertrophic cardiomyopathy 12; Dilated cardiomyopathy 1M. Last evaluated: 2025-08-11. Review status: criteria provided, single submitter. Criteria: Invitae Variant Classification Sherloc (09022015). Collection method: clinical testing. Allele origin: germline.
Comment: This sequence change replaces proline, which is neutral and non-polar, with leucine, which is neutral and non-polar, at codon 96 of the CSRP3 protein (p.Pro96Leu). This variant is present in population databases (rs766783066, gnomAD 0.007%). This variant has not been reported in the literature in individuals affected with CSRP3-related conditions. ClinVar contains an entry for this variant (Variation ID: 1029706). An algorithm developed to predict the effect of missense changes on protein structure and function (PolyPhen-2) suggests that this variant is likely to be tolerated. In summary, the available evidence is currently insufficient to determine the role of this variant in disease. Therefore, it has been classified as a Variant of Uncertain Significance.

Ambry Genetics
Classification: Uncertain significance for Cardiovascular phenotype. Last evaluated: 2022-07-01. Review status: criteria provided, single submitter. Criteria: Ambry Variant Classification Scheme 2023. Collection method: clinical testing. Allele origin: germline.
Comment: The p.P96L variant (also known as c.287C>T), located in coding exon 3 of the CSRP3 gene, results from a C to T substitution at nucleotide position 287. The proline at codon 96 is replaced by leucine, an amino acid with similar properties. This amino acid position is well conserved in available vertebrate species. In addition, this alteration is predicted to be tolerated by in silico analysis. Since supporting evidence is limited at this time, the clinical significance of this alteration remains unclear.

Baylor Genetics
Classification: Uncertain significance for Hypertrophic cardiomyopathy 12. Last evaluated: 2019-04-30. Review status: criteria provided, single submitter. Criteria: ACMG Guidelines, 2015. Collection method: clinical testing. Allele origin: maternal. Affected: yes.
Comment: This variant was determined to be of uncertain significance according to ACMG Guidelines, 2015 [PMID:25741868].